The following is an entry in ClinVar:

ClinVar aggregate classification (germline): Uncertain significance (1 of 4 stars; one submission).

Conditions:
Familial thoracic aortic aneurysm and aortic dissection (TAAD). Also called: Thoracic aortic aneurysms and dissections. Identifiers: Orphanet 91387, MedGen C4707243, MONDO:0019625.

Submission:

Ambry Genetics
Classification: Uncertain significance for Familial thoracic aortic aneurysm and aortic dissection. Last evaluated: 2024-10-21. Review status: criteria provided, single submitter. Criteria: Ambry Variant Classification Scheme 2023. Collection method: clinical testing. Allele origin: germline.
Comment: The p.E485G variant (also known as c.1454A>G), located in coding exon 13 of the PRKG1 gene, results from an A to G substitution at nucleotide position 1454. The glutamic acid at codon 485 is replaced by glycine, an amino acid with similar properties. This amino acid position is conserved. In addition, this alteration is predicted to be deleterious by in silico analysis. Based on the available evidence, the clinical significance of this variant remains unclear.

NM_006258.4(PRKG1):c.1454A>G (p.Glu485Gly)

Gene: PRKG1 (protein kinase cGMP-dependent 1; plus strand). Cytogenetic location: 10q21.1.
Variant type: single nucleotide variant.
Coding change: c.1454A>G on transcript NM_006258.4 (MANE Select); coding-DNA position 1454, A replaced by G.
Protein change: p.Glu485Gly; replaces glutamic acid 485 with glycine.
Molecular consequence: missense variant.
Genome position (GRCh38, 1-based): chr10:52,280,839, A>G. VCF-style: chr10-52280839-A-G. GRCh37 (hg19) VCF-style: chr10-54040599-A-G.
Other names: c.1409A>G, p.Glu470Gly (NM_001098512.3); c.245A>G, p.Glu82Gly (NM_001374781.1); short protein forms E470G, E485G, E82G.
Identifiers: ClinVar variation 3425444 (VCV003425444.1).